The following is an entry in ClinVar:

ClinVar aggregate classification (germline): Uncertain significance (1 of 4 stars; one submission).

Conditions:
Fanconi anemia (FA). Also called: Fanconi's anemia. Identifiers: Orphanet 84, MedGen C0015625, MeSH D005199, MONDO:0019391.

Submission:

Labcorp Genetics (formerly Invitae), Labcorp
Classification: Uncertain significance for Fanconi anemia. Last evaluated: 2023-12-28. Review status: criteria provided, single submitter. Criteria: Invitae Variant Classification Sherloc (09022015). Collection method: clinical testing. Allele origin: germline.
Comment: This sequence change replaces asparagine, which is neutral and polar, with tyrosine, which is neutral and polar, at codon 429 of the FANCM protein (p.Asn429Tyr). This variant is not present in population databases (gnomAD no frequency). This variant has not been reported in the literature in individuals affected with FANCM-related conditions. An algorithm developed to predict the effect of missense changes on protein structure and function (PolyPhen-2) suggests that this variant is likely to be tolerated. In summary, the available evidence is currently insufficient to determine the role of this variant in disease. Therefore, it has been classified as a Variant of Uncertain Significance.

NM_020937.4(FANCM):c.1285A>T (p.Asn429Tyr)

Gene: FANCM (FA complementation group M; plus strand). Cytogenetic location: 14q21.2.
Variant type: single nucleotide variant.
Coding change: c.1285A>T on transcript NM_020937.4 (MANE Select); coding-DNA position 1285, A replaced by T.
Protein change: p.Asn429Tyr; replaces asparagine 429 with tyrosine.
Molecular consequence: missense variant.
Genome position (GRCh38, 1-based): chr14:45,154,798, A>T. VCF-style: chr14-45154798-A-T. GRCh37 (hg19) VCF-style: chr14-45624001-A-T.
Other names: c.1207A>T, p.Asn403Tyr (NM_001308133.2); c.1285A>T, p.Asn429Tyr (NM_001308134.2); short protein forms N429Y, N403Y.
Identifiers: ClinVar variation 2876730 (VCV002876730.3), dbSNP rs2503106928, ClinGen allele CA389591359.